The following is an entry in ClinVar:

NM_001023.4(RPS20):c.219T>G (p.Gly73=)

Gene: RPS20 (ribosomal protein S20; minus strand). Cytogenetic location: 8q12.1.
Variant type: single nucleotide variant.
Coding change: c.219T>G on transcript NM_001023.4 (MANE Select); coding-DNA position 219, T replaced by G.
Protein change: p.Gly73=; no amino-acid change (glycine 73 retained).
Molecular consequence: synonymous variant.
Genome position (GRCh38, 1-based): chr8:56,073,231, A>C on the plus strand (T>G on the coding strand, the complement: RPS20 is on the minus strand). VCF-style: chr8-56073231-A-C. GRCh37 (hg19) VCF-style: chr8-56985790-A-C.
Other names: c.219T>G, p.Gly73= (NM_001146227.3).
Identifiers: ClinVar variation 1533783 (VCV001533783.11), dbSNP rs773777295, ClinGen allele CA4754326.

ClinVar aggregate classification (germline): Benign/Likely benign. Review status: criteria provided, multiple submitters, no conflicts (2 of 4 stars). 3 submissions from 3 submitters: Benign (1); Likely benign (2). Last evaluated 2026-08-03.

Conditions:
Familial colorectal cancer type X. Identifiers: Orphanet 440437, MedGen C3896578, MONDO:0018604.

Allele frequency attached by ClinVar (database versions not stated): gnomAD 0.00002 and 0.00001; gnomAD exomes below 0.00001 and 0.00001; TOPMed below 0.00001; ExAC 0.00002.

Submissions (3):

Myriad Genetics, Inc.
Classification: Benign for Familial colorectal cancer type X. Last evaluated: 2026-08-03. Review status: criteria provided, single submitter. Criteria: Myriad Autosomal Dominant, Autosomal Recessive and X-Linked Classification Criteria (2023). Collection method: clinical testing. Allele origin: unknown.
Comment: This variant is considered benign. This variant is a silent/synonymous amino acid change and it is not expected to impact splicing.

Labcorp Genetics (formerly Invitae), Labcorp
Classification: Likely benign. Last evaluated: 2023-09-17. Review status: criteria provided, single submitter. Criteria: Invitae Variant Classification Sherloc (09022015). Collection method: clinical testing. Allele origin: germline.

Ambry Genetics
Classification: Likely benign. Last evaluated: 2022-06-15. Review status: criteria provided, single submitter. Criteria: Ambry Variant Classification Scheme 2023. Collection method: clinical testing. Allele origin: germline.